The following is an entry in ClinVar:

ClinVar aggregate classification (germline): Uncertain significance (1 of 4 stars; one submission).

Conditions:
Inborn genetic diseases. Identifiers: MedGen C0950123, MeSH D030342.

Submission:

Ambry Genetics
Classification: Uncertain significance for Inborn genetic diseases. Last evaluated: 2025-04-19. Review status: criteria provided, single submitter. Criteria: Ambry Variant Classification Scheme 2023. Collection method: clinical testing. Allele origin: germline.
Comment: The p.L529H variant (also known as c.1586T>A), located in coding exon 10 of the ERCC6L2 gene, results from a T to A substitution at nucleotide position 1586. The leucine at codon 529 is replaced by histidine, an amino acid with similar properties. This amino acid position is conserved. In addition, this alteration is predicted to be deleterious by in silico analysis. Based on the available evidence, the clinical significance of this variant remains unclear.

NM_020207.7(ERCC6L2):c.1586T>A (p.Leu529His)

Gene: ERCC6L2 (ERCC excision repair 6 like 2; plus strand). Cytogenetic location: 9q22.32.
Variant type: single nucleotide variant.
Coding change: c.1586T>A on transcript NM_020207.7 (MANE Select); coding-DNA position 1586, T replaced by A.
Protein change: p.Leu529His; replaces leucine 529 with histidine.
Molecular consequence: missense variant. On other transcripts: non-coding transcript variant (1).
Genome position (GRCh38, 1-based): chr9:95,928,131, T>A. VCF-style: chr9-95928131-T-A. GRCh37 (hg19) VCF-style: chr9-98690413-T-A.
Other names: c.1586T>A, p.Leu529His (NM_001010895.4, NM_001375291.1, NM_001375292.1 and 2 more transcripts); short protein forms L529H.
Identifiers: ClinVar variation 4019320 (VCV004019320.1).
Genomic context (GRCh38, chr9:95,928,131, plus strand): 5'-ATTTTCAGGTCCTTCAGCAGCTTTTAAATCATTGCAGGAAAAACAGAGATAAAGTTCTTC[T>A]CTTTTCTTTTTCCACCAAGGTGAGTTCATCTAAAGTATATCCTTGATTGGCCAGCCTCAA-3'
Protein context (NP_064592.3, residues 519-539): HCRKNRDKVL[Leu529His]FSFSTKLLDV